The following is an entry in ClinVar:

ClinVar aggregate classification (germline): Uncertain significance. Review status: criteria provided, multiple submitters, no conflicts (2 of 4 stars). 2 submissions from 2 submitters: Uncertain significance (2). Last evaluated 2024-06-19.

Conditions:
Hereditary cancer-predisposing syndrome. Also called: Neoplastic Syndromes, Hereditary; Tumor predisposition; Hereditary Cancer Syndrome; Hereditary neoplastic syndrome. Identifiers: Orphanet 140162, MedGen C0027672, MeSH D009386, MONDO:0015356.
POLD1-related polyposis and colorectal cancer syndrome (CRCS10). Also called: Colorectal cancer 10; COLORECTAL CANCER, SUSCEPTIBILITY TO, ON CHROMOSOME 19q; Colorectal cancer, susceptibility to, 10. Identifiers: Orphanet 220460, MedGen C2675481, MONDO:0012953, OMIM 612591.

Submissions (2):

Ambry Genetics
Classification: Uncertain significance for Hereditary cancer-predisposing syndrome. Last evaluated: 2024-06-19. Review status: criteria provided, single submitter. Criteria: Ambry Variant Classification Scheme 2023. Collection method: clinical testing. Allele origin: germline.
Comment: The p.T91I variant (also known as c.272C>T), located in coding exon 2 of the POLD1 gene, results from a C to T substitution at nucleotide position 272. The threonine at codon 91 is replaced by isoleucine, an amino acid with similar properties. This amino acid position is conserved. In addition, this alteration is predicted to be tolerated by in silico analysis. Based on the available evidence, the clinical significance of this variant remains unclear.

Labcorp Genetics (formerly Invitae), Labcorp
Classification: Uncertain significance for POLD1-related polyposis and colorectal cancer syndrome. Last evaluated: 2022-12-24. Review status: criteria provided, single submitter. Criteria: Invitae Variant Classification Sherloc (09022015). Collection method: clinical testing. Allele origin: germline.
Comment: In summary, the available evidence is currently insufficient to determine the role of this variant in disease. Therefore, it has been classified as a Variant of Uncertain Significance. Advanced modeling of protein sequence and biophysical properties (such as structural, functional, and spatial information, amino acid conservation, physicochemical variation, residue mobility, and thermodynamic stability) performed at Invitae indicates that this missense variant is not expected to disrupt POLD1 protein function. This variant has not been reported in the literature in individuals affected with POLD1-related conditions. This variant is not present in population databases (gnomAD no frequency). This sequence change replaces threonine, which is neutral and polar, with isoleucine, which is neutral and non-polar, at codon 91 of the POLD1 protein (p.Thr91Ile).

NM_002691.4(POLD1):c.272C>T (p.Thr91Ile)

Gene: POLD1 (DNA polymerase delta 1, catalytic subunit; plus strand). Cytogenetic location: 19q13.33.
Variant type: single nucleotide variant.
Coding change: c.272C>T on transcript NM_002691.4 (MANE Select); coding-DNA position 272, C replaced by T.
Protein change: p.Thr91Ile; replaces threonine 91 with isoleucine.
Molecular consequence: missense variant. On other transcripts: non-coding transcript variant (1).
Genome position (GRCh38, 1-based): chr19:50,399,440, C>T. VCF-style: chr19-50399440-C-T. GRCh37 (hg19) VCF-style: chr19-50902697-C-T.
Other names: c.272C>T (NM_002691.2); c.272C>T, p.Thr91Ile (NM_001256849.1, NM_001308632.1); short protein forms T91I.
Identifiers: ClinVar variation 2873163 (VCV002873163.4), dbSNP rs1601190794, ClinGen allele CA406970543.